The following is an entry in ClinVar:

NM_001267550.2(TTN):c.98083G>C (p.Val32695Leu)

Genes: TTN-AS1 (TTN antisense RNA 1; plus strand), TTN (titin; minus strand). Cytogenetic location: 2q31.2.
Variant type: single nucleotide variant.
Coding change: c.98083G>C on transcript NM_001267550.2 (MANE Select); coding-DNA position 98083, G replaced by C.
Protein change: p.Val32695Leu; replaces valine 32695 with leucine.
Molecular consequence: missense variant.
Genome position (GRCh38, 1-based): chr2:178,540,083, C>G on the plus strand (G>C on the coding strand, the complement: TTN is on the minus strand). VCF-style: chr2-178540083-C-G. GRCh37 (hg19) VCF-style: chr2-179404810-C-G.
Other names: c.93160G>C, p.Val31054Leu (NM_001256850.1); c.70888G>C, p.Val23630Leu (NM_003319.4); c.90379G>C, p.Val30127Leu (NM_133378.4); c.71263G>C, p.Val23755Leu (NM_133432.3); c.71464G>C, p.Val23822Leu (NM_133437.4); short protein forms V23822L, V30127L, V31054L, V32695L, V23755L, V23630L.
Identifiers: ClinVar variation 5001084 (VCV005001084.1).

ClinVar aggregate classification (germline): Uncertain significance (1 of 4 stars; one submission).

Conditions:
TTN-related disorder. Also called: TTN-related disorders; TTN-related condition; TTN-related disease.

Submission:

PreventionGenetics, part of Exact Sciences
Classification: Uncertain significance for TTN-related condition. Last evaluated: 2025-07-10. Review status: criteria provided, single submitter. Criteria: ACMG Guidelines, 2015. Collection method: clinical testing. Allele origin: germline.
Comment: The TTN c.98083G>C variant is predicted to result in the amino acid substitution p.Val32695Leu. To our knowledge, this variant has not been reported in the literature or in a large population database (gnomAD), indicating this variant is rare. At this time, the clinical significance of this variant is uncertain due to the absence of conclusive functional and genetic evidence.